The following is an entry in ClinVar:

NM_198428.3(BBS9):c.1786T>G (p.Ser596Ala)

Gene: BBS9 (Bardet-Biedl syndrome 9; plus strand). Cytogenetic location: 7p14.3.
Variant type: single nucleotide variant.
Coding change: c.1786T>G on transcript NM_198428.3 (MANE Select); coding-DNA position 1786, T replaced by G.
Protein change: p.Ser596Ala; replaces serine 596 with alanine.
Molecular consequence: missense variant. On other transcripts: non-coding transcript variant (3).
Genome position (GRCh38, 1-based): chr7:33,367,859, T>G. VCF-style: chr7-33367859-T-G. GRCh37 (hg19) VCF-style: chr7-33407471-T-G.
Other names: c.1681T>G, p.Ser561Ala (NM_001033604.2); c.1771T>G, p.Ser591Ala (NM_001033605.2); c.1786T>G, p.Ser596Ala (NM_001348036.1, NM_001348041.4, NM_001348043.3 and 3 more transcripts); c.1420T>G, p.Ser474Ala (NM_001348037.3, NM_001348045.3, NM_001348046.3); c.1513T>G, p.Ser505Ala (NM_001348038.3); c.1408T>G, p.Ser470Ala (NM_001348039.3); c.1666T>G, p.Ser556Ala (NM_001348040.3, NM_014451.4); c.1651T>G, p.Ser551Ala (NM_001348042.3); and 1 more; short protein forms S470A, S596A, S505A, S551A, S556A, S561A, S439A, S474A.
Identifiers: ClinVar variation 2123575 (VCV002123575.4), dbSNP rs2536171655, ClinGen allele CA367252541.
Genomic context (GRCh38, chr7:33,367,859, plus strand): 5'-AATGTAATGGGTTTTCACTTCTTAGGAGGTGCTCGAATTACTGTTCTTGCTTCCAAAACT[T>G]CTCGTAAGTAAAACCATGTTATCATTGCTTTTTAAATTTTTTTCTAAGGATACCACATCA-3'
Protein context (NP_940820.1, residues 586-606): ARITVLASKT[Ser596Ala]QRYRIQSEQF

ClinVar aggregate classification (germline): Uncertain significance (1 of 4 stars; one submission).

Conditions:
Bardet-Biedl syndrome (BBS). Identifiers: Orphanet 110, MedGen C0752166, MONDO:0015229.

Allele frequency attached by ClinVar (database versions not stated): gnomAD exomes below 0.00001.
gnomAD v4.1: 1 of 1,613,542 alleles (0.000062%); highest among the groups gnomAD compares: Admixed American, 0.0017%; no homozygotes.

Submission:

Labcorp Genetics (formerly Invitae), Labcorp
Classification: Uncertain significance for Bardet-Biedl syndrome. Last evaluated: 2022-04-09. Review status: criteria provided, single submitter. Criteria: Invitae Variant Classification Sherloc (09022015). Collection method: clinical testing. Allele origin: germline.
Comment: In summary, the available evidence is currently insufficient to determine the role of this variant in disease. Therefore, it has been classified as a Variant of Uncertain Significance. Algorithms developed to predict the effect of missense changes on protein structure and function are either unavailable or do not agree on the potential impact of this missense change (SIFT: "Deleterious"; PolyPhen-2: "Probably Damaging"; Align-GVGD: "Class C0"). This variant has not been reported in the literature in individuals affected with BBS9-related conditions. This variant is not present in population databases (gnomAD no frequency). This sequence change replaces serine, which is neutral and polar, with alanine, which is neutral and non-polar, at codon 596 of the BBS9 protein (p.Ser596Ala).